The following is an entry in ClinVar:

NM_001848.3(COL6A1):c.347G>A (p.Ser116Asn)

Gene: COL6A1 (collagen type VI alpha 1 chain; plus strand). Cytogenetic location: 21q22.3.
Variant type: single nucleotide variant.
Coding change: c.347G>A on transcript NM_001848.3 (MANE Select); coding-DNA position 347, G replaced by A.
Protein change: p.Ser116Asn; replaces serine 116 with asparagine.
Molecular consequence: missense variant.
Genome position (GRCh38, 1-based): chr21:45,984,388, G>A. VCF-style: chr21-45984388-G-A. GRCh37 (hg19) VCF-style: chr21-47404302-G-A.
Other names: short protein forms S116N.
Identifiers: ClinVar variation 93872 (VCV000093872.35), dbSNP rs11553519, ClinGen allele CA147404.

ClinVar aggregate classification (germline): Benign. Review status: criteria provided, multiple submitters, no conflicts (2 of 4 stars). 15 submissions from 15 submitters: Benign (9). 6 of the submissions do not count toward it. Last evaluated 2026-02-02.

Conditions:
Collagen 6-related myopathy. Identifiers: MedGen CN117976, MONDO:0100225.
Bethlem myopathy 1A. Also called: MYOPATHY, BENIGN CONGENITAL, WITH CONTRACTURES; Bethlem myopathy 1; Bethlem Muscular Dystrophy. Identifiers: Orphanet 610, MedGen CN029274, MONDO:0024530, OMIM 158810.

Allele frequency attached by ClinVar (database versions not stated): TOPMed 0.04053; 1000 Genomes Project 30x 0.03154; ESP Exome Variant Server 0.04084; 1000 Genomes Project 0.03055; gnomAD 0.05277.

Submissions (15):

Labcorp Genetics (formerly Invitae), Labcorp
Classification: Benign for Bethlem myopathy 1A. Last evaluated: 2026-02-02. Review status: criteria provided, single submitter. Criteria: Invitae Variant Classification Sherloc (09022015). Collection method: clinical testing. Allele origin: germline.

Athena Diagnostics
Classification: Benign. Last evaluated: 2023-12-12. Review status: criteria provided, single submitter. Criteria: Athena Diagnostics Criteria. Collection method: clinical testing. Allele origin: unknown.

Illumina Laboratory Services, Illumina
Classification: Benign for Collagen VI-related myopathy. Last evaluated: 2018-03-06. Review status: criteria provided, single submitter. Criteria: ICSL Variant Classification Criteria 13 December 2019. Collection method: clinical testing. Allele origin: germline.
Comment: This variant was observed in the ICSL laboratory as part of a predisposition screen in an ostensibly healthy population. It had not been previously curated by ICSL or reported in the Human Gene Mutation Database (HGMD: prior to June 1st, 2018), and was therefore a candidate for classification through an automated scoring system. Utilizing variant allele frequency, disease prevalence and penetrance estimates, and inheritance mode, an automated score was calculated to assess if this variant is too frequent to cause the disease. Based on the score and internal cut-off values, a variant classified as benign is not then subjected to further curation. The score for this variant resulted in a classification of benign for this disease.

Mayo Clinic Laboratories, Mayo Clinic
Classification: Benign. Last evaluated: 2017-10-10. Review status: criteria provided, single submitter. Criteria: ACMG Guidelines, 2015. Collection method: clinical testing. Allele origin: germline. Observed: 67 variant alleles.

Laboratory for Molecular Medicine, Mass General Brigham Personalized Medicine
Classification: Benign. Last evaluated: 2016-03-28. Review status: criteria provided, single submitter. Criteria: LMM Criteria. Collection method: clinical testing. Allele origin: germline.
Comment: Variant identified in a genome or exome case(s) and assessed due to predicted null impact of the variant or pathogenic assertions in the literature or databases. Disclaimer: This variant has not undergone full assessment. The following are preliminary notes: Frequency in ESP (all): 531/13002=4%

GeneDx
Classification: Benign. Last evaluated: 2016-01-11. Review status: criteria provided, single submitter. Criteria: GeneDx Variant Classification (06012015). Collection method: clinical testing. Allele origin: germline. Affected: yes.
Comment: This variant is considered likely benign or benign based on one or more of the following criteria: it is a conservative change, it occurs at a poorly conserved position in the protein, it is predicted to be benign by multiple in silico algorithms, and/or has population frequency not consistent with disease.

Eurofins Ntd Llc (ga)
Classification: Benign. Last evaluated: 2012-08-28. Review status: criteria provided, single submitter. Criteria: EGL Classification Definitions 2015. Collection method: clinical testing. Allele origin: germline. Observed: 7 variant alleles, 7 heterozygotes.

Breakthrough Genomics
Classification: Benign. Review status: criteria provided, single submitter. Criteria: ACMG Guidelines, 2015. Collection method: not provided. Allele origin: germline. Inheritance: Autosomal recessive inheritance. Affected: yes.

PreventionGenetics, part of Exact Sciences
Classification: Benign. Review status: criteria provided, single submitter. Criteria: ACMG Guidelines, 2015. Collection method: clinical testing. Allele origin: germline.

Clinical Genetics, Academic Medical Center
Classification: Benign. Review status: no assertion criteria provided. Collection method: clinical testing. Allele origin: germline. Affected: yes. Study: VKGL Data-share Consensus. Not counted in ClinVar's aggregate classification.

Diagnostic Laboratory, Department of Genetics, University Medical Center Groningen
Classification: Benign. Review status: no assertion criteria provided. Collection method: clinical testing. Allele origin: germline. Affected: yes. Study: VKGL Data-share Consensus. Not counted in ClinVar's aggregate classification.

Genetic Services Laboratory, University of Chicago
Classification: Likely benign for AllHighlyPenetrant. Review status: no assertion criteria provided. Collection method: clinical testing. Allele origin: germline. Not counted in ClinVar's aggregate classification.
Comment: Likely benign based on allele frequency in 1000 Genomes Project or ESP global frequency and its presence in a patient with a rare or unrelated disease phenotype. NOT Sanger confirmed.

Genome Diagnostics Laboratory, University Medical Center Utrecht
Classification: Benign. Review status: no assertion criteria provided. Collection method: clinical testing. Allele origin: germline. Affected: yes. Study: VKGL Data-share Consensus. Not counted in ClinVar's aggregate classification.

Joint Genome Diagnostic Labs from Nijmegen and Maastricht, Radboudumc and MUMC+
Classification: Benign. Review status: no assertion criteria provided. Collection method: clinical testing. Allele origin: germline. Affected: yes. Study: VKGL Data-share Consensus. Not counted in ClinVar's aggregate classification.

Laboratory of Diagnostic Genome Analysis, Leiden University Medical Center (LUMC)
Classification: Benign. Review status: no assertion criteria provided. Collection method: clinical testing. Allele origin: germline. Affected: yes. Study: VKGL Data-share Consensus. Not counted in ClinVar's aggregate classification.

Literature cited by the submitters: PubMed 20976770 (cited by Athena Diagnostics); PubMed 15689448 (cited by Athena Diagnostics); PubMed 16130093 (cited by Athena Diagnostics); PubMed 27884173 (cited by Athena Diagnostics); PubMed 20981092 (cited by Athena Diagnostics).